The following is an entry in ClinVar:

NM_032119.4(ADGRV1):c.4507G>T (p.Ala1503Ser)

Gene: ADGRV1 (adhesion G protein-coupled receptor V1; plus strand). Cytogenetic location: 5q14.3.
Variant type: single nucleotide variant.
Coding change: c.4507G>T on transcript NM_032119.4 (MANE Select); coding-DNA position 4507, G replaced by T.
Protein change: p.Ala1503Ser; replaces alanine 1503 with serine.
Molecular consequence: missense variant. On other transcripts: non-coding transcript variant (1).
Genome position (GRCh38, 1-based): chr5:90,658,033, G>T. VCF-style: chr5-90658033-G-T. GRCh37 (hg19) VCF-style: chr5-89953850-G-T.
Other names: short protein forms A1503S.
Identifiers: ClinVar variation 4977796 (VCV004977796.1).

ClinVar aggregate classification (germline): Uncertain significance (1 of 4 stars; one submission).

Conditions:
ADGRV1-related disorder. Also called: ADGRV1-related condition; ADGRV1-related disorders.

gnomAD v4.1: 4 of 1,613,846 alleles (0.00025%); highest among the groups gnomAD compares: East Asian, 0.0045%; no homozygotes.

Submission:

PreventionGenetics, part of Exact Sciences
Classification: Uncertain significance for ADGRV1-related condition. Last evaluated: 2026-01-05. Review status: criteria provided, single submitter. Criteria: ACMG Guidelines, 2015. Collection method: clinical testing. Allele origin: germline.
Comment: The ADGRV1 c.4507G>T variant is predicted to result in the amino acid substitution p.Ala1503Ser. To our knowledge, this variant has not been reported in the literature. This variant is reported in 0.0056% of alleles in individuals of East Asian descent in gnomAD. At this time, the clinical significance of this variant is uncertain due to the absence of conclusive functional and genetic evidence.